The following is an entry in ClinVar:

NM_006545.5(NPRL2):c.35dup (p.Ser13fs)

Gene: NPRL2 (NPR2 like, GATOR1 complex subunit; minus strand). Cytogenetic location: 3p21.31.
Variant type: Duplication.
Coding change: c.35dup on transcript NM_006545.5 (MANE Select); coding-DNA position 35, one base duplicated (T; older notation c.35dupT).
Protein change: p.Ser13fs; shifts the reading frame from serine 13.
Molecular consequence: frameshift variant.
Genome position (GRCh38, 1-based): chr3:50,350,618, A duplicated on the plus strand (T on the coding strand, the reverse complement: NPRL2 is on the minus strand); the first of 2 consecutive A bases (chr3:50,350,618-50,350,619); duplicating either gives the same sequence. VCF-style (leftmost placement, unchanged base first): chr3-50350617-G-GA. GRCh37 (hg19) VCF-style: chr3-50388048-G-GA.
Other names: short protein forms S13fs.
Identifiers: ClinVar variation 4072444 (VCV004072444.1).

ClinVar aggregate classification (germline): Pathogenic (1 of 4 stars; one submission).

Submission:

GeneDx
Classification: Pathogenic. Last evaluated: 2025-02-03. Review status: criteria provided, single submitter. Criteria: GeneDx Variant Classification Process June 2021. Collection method: clinical testing. Allele origin: germline. Affected: yes.
Comment: Frameshift variant predicted to result in protein truncation or nonsense mediated decay in a gene for which loss of function is a known mechanism of disease; Not observed at significant frequency in large population cohorts (gnomAD); Has not been previously published as pathogenic or benign to our knowledge